The following is an entry in ClinVar:

NM_000543.5(SMPD1):c.1103del (p.Phe368fs)

Gene: SMPD1 (sphingomyelin phosphodiesterase 1; plus strand). Cytogenetic location: 11p15.4.
Variant type: Deletion.
Coding change: c.1103del on transcript NM_000543.5 (MANE Select); coding-DNA position 1103, one base deleted (T; older notation c.1103delT).
Protein change: p.Phe368fs; shifts the reading frame from phenylalanine 368.
Molecular consequence: frameshift variant. On other transcripts: non-coding transcript variant (1), intron variant (1).
Genome position (GRCh38, 1-based): chr11:6,393,227, T deleted; the last of 2 consecutive T bases (chr11:6,393,226-6,393,227); deleting either gives the same sequence. VCF-style (leftmost placement, unchanged base first): chr11-6393225-GT-G. GRCh37 (hg19) VCF-style: chr11-6414455-GT-G.
Other names: c.1100del, p.Phe367fs (NM_001007593.3); c.1103del, p.Phe368fs (NM_001318087.2); c.182del, p.Phe61fs (NM_001318088.2); c.1132-390del (NM_001365135.2); short protein forms F367fs, F368fs, F61fs.
Identifiers: ClinVar variation 2679047 (VCV002679047.4), dbSNP rs2493813438, ClinGen allele CA2695201074.

ClinVar aggregate classification (germline): Pathogenic/Likely pathogenic. Review status: criteria provided, multiple submitters, no conflicts (2 of 4 stars). 2 submissions from 2 submitters: Pathogenic (1); Likely pathogenic (1). Last evaluated 2023-05-27.

Conditions:
Niemann-Pick disease, type A. Also called: SPHINGOMYELIN LIPIDOSIS; SPHINGOMYELINASE DEFICIENCY; Infantile Neurovisceral ASMD (Niemann-Pick Disease Type A; NPD-A). Identifiers: Orphanet 77292, MedGen C0268242, MONDO:0009756, OMIM 257200. Disease mechanism: loss of function.
Niemann-Pick disease, type B. Also called: Chronic Visceral ASMD (Niemann-Pick Disease Type B; NPD-B). Identifiers: Orphanet 77293, MedGen C0268243, MONDO:0011871, OMIM 607616. Disease mechanism: loss of function.

Submissions (2):

Labcorp Genetics (formerly Invitae), Labcorp
Classification: Pathogenic for Niemann-Pick disease, type B; Niemann-Pick disease, type A. Last evaluated: 2023-05-27. Review status: criteria provided, single submitter. Criteria: Invitae Variant Classification Sherloc (09022015). Collection method: clinical testing. Allele origin: germline.
Comment: For these reasons, this variant has been classified as Pathogenic. This premature translational stop signal has been observed in individual(s) with Niemann-Pick disease (PMID: 32778503, 33675270). This variant is not present in population databases (gnomAD no frequency). This sequence change creates a premature translational stop signal (p.Phe368Serfs*17) in the SMPD1 gene. It is expected to result in an absent or disrupted protein product. Loss-of-function variants in SMPD1 are known to be pathogenic (PMID: 12369017, 15221801).

Baylor Genetics
Classification: Likely pathogenic for Niemann-Pick disease, type A. Last evaluated: 2022-04-02. Review status: criteria provided, single submitter. Criteria: ACMG Guidelines, 2015. Collection method: clinical testing. Allele origin: unknown.

Literature cited by the submitters: PubMed 32778503 (cited by Labcorp Genetics (formerly Invitae), Labcorp); PubMed 33675270 (cited by Labcorp Genetics (formerly Invitae), Labcorp); PubMed 12369017 (cited by Labcorp Genetics (formerly Invitae), Labcorp); PubMed 15221801 (cited by Labcorp Genetics (formerly Invitae), Labcorp).